The following is an entry in ClinVar:

NM_025114.4(CEP290):c.4897C>T (p.Gln1633Ter)

Gene: CEP290 (centrosomal protein 290; minus strand). Cytogenetic location: 12q21.32.
Variant type: single nucleotide variant.
Coding change: c.4897C>T on transcript NM_025114.4 (MANE Select); coding-DNA position 4897, C replaced by T.
Protein change: p.Gln1633Ter; replaces glutamine 1633 with a stop codon.
Molecular consequence: nonsense.
Genome position (GRCh38, 1-based): chr12:88,083,146, G>A on the plus strand (C>T on the coding strand, the complement: CEP290 is on the minus strand). VCF-style: chr12-88083146-G-A. GRCh37 (hg19) VCF-style: chr12-88476923-G-A.
Other names: short protein forms Q1633*.
Identifiers: ClinVar variation 2680615 (VCV002680615.6), dbSNP rs1159120623, ClinGen allele CA385992903.
Genomic context (GRCh38, chr12:88,083,146, plus strand): 5'-TCTCCAAATCTTGTGATACTTTCTTTAGTTTGACCAAGAGTGAGGAAAGAGAGTCATCTT[G>A]TTCTGCTACTGTCTGTTCCATCTCAGCCAGACGAATAAAATGCTTGTTGGTAGGAACTGG-3'

ClinVar aggregate classification (germline): Pathogenic. Review status: criteria provided, multiple submitters, no conflicts (2 of 4 stars). 3 submissions from 3 submitters: Pathogenic (3). Last evaluated 2024-10-16.

Conditions:
CEP290-related ciliopathy. Also called: CEP290 ciliopathy. Identifiers: MedGen CN305601, MONDO:0100451.
Bardet-Biedl syndrome 14 (BBS14). Identifiers: Orphanet 110, MedGen C2673874, MONDO:0014442, OMIM 615991.
Meckel-Gruber syndrome. Also called: Dysencephalia splachnocystica; DYSENCEPHALIA SPLANCHNOCYSTICA; GRUBER SYNDROME. Identifiers: Orphanet 564, MedGen C0265215, MONDO:0018921.
Joubert syndrome. Also called: JOUBERT-BOLTSHAUSER SYNDROME; Familial aplasia of the vermis. Identifiers: Orphanet 475, MedGen C5979921, MONDO:0018772.
Nephronophthisis. Also called: Juvenile Nephronophthisis. Identifiers: Orphanet 655, MedGen C0687120, MONDO:0019005, HP:0000090.

Allele frequency attached by ClinVar (database versions not stated): TOPMed 0.00002.
gnomAD v4.1: 1 of 1,555,838 alleles (0.000064%); highest among the groups gnomAD compares: Non-Finnish European, 0.000087%; no homozygotes.

Submissions (3):

Myriad Genetics, Inc.
Classification: Pathogenic for CEP290-related ciliopathy. Last evaluated: 2024-10-16. Review status: criteria provided, single submitter. Criteria: Myriad Autosomal Dominant, Autosomal Recessive and X-Linked Classification Criteria (2023). Collection method: clinical testing. Allele origin: unknown.
Comment: NM_025114.3(CEP290):c.4897C>T(Q1633*) is expected to be pathogenic in the context of CEP290-related disorders. This variant is predicted to lead to an abnormal or absent protein product due to the creation of a premature termination codon in CEP290, a gene where loss-of-function variants are known to be pathogenic. Please note: this variant was assessed in the context of healthy population screening.

Baylor Genetics
Classification: Pathogenic for Bardet-Biedl syndrome 14. Last evaluated: 2024-01-27. Review status: criteria provided, single submitter. Criteria: ACMG Guidelines, 2015. Collection method: clinical testing. Allele origin: unknown.

Labcorp Genetics (formerly Invitae), Labcorp
Classification: Pathogenic for Joubert syndrome; Meckel-Gruber syndrome; Nephronophthisis. Last evaluated: 2023-05-20. Review status: criteria provided, single submitter. Criteria: Invitae Variant Classification Sherloc (09022015). Collection method: clinical testing. Allele origin: germline.
Comment: This sequence change creates a premature translational stop signal (p.Gln1633*) in the CEP290 gene. It is expected to result in an absent or disrupted protein product. Loss-of-function variants in CEP290 are known to be pathogenic (PMID: 16909394, 17345604, 20690115). This variant is not present in population databases (gnomAD no frequency). This premature translational stop signal has been observed in individual(s) with Leber congenital amaurosis (PMID: 21602930). For these reasons, this variant has been classified as Pathogenic.

Literature cited by the submitters: PubMed 16909394 (cited by Labcorp Genetics (formerly Invitae), Labcorp); PubMed 17345604 (cited by Labcorp Genetics (formerly Invitae), Labcorp); PubMed 20690115 (cited by Labcorp Genetics (formerly Invitae), Labcorp); PubMed 21602930 (cited by Labcorp Genetics (formerly Invitae), Labcorp).